The following is an entry in ClinVar:

NM_000256.3(MYBPC3):c.2536G>T (p.Val846Phe)

Gene: MYBPC3 (myosin binding protein C3; minus strand). Cytogenetic location: 11p11.2.
Variant type: single nucleotide variant.
Coding change: c.2536G>T on transcript NM_000256.3 (MANE Select); coding-DNA position 2536, G replaced by T.
Protein change: p.Val846Phe; replaces valine 846 with phenylalanine.
Molecular consequence: missense variant.
Genome position (GRCh38, 1-based): chr11:47,337,457, C>A on the plus strand (G>T on the coding strand, the complement: MYBPC3 is on the minus strand). VCF-style: chr11-47337457-C-A. GRCh37 (hg19) VCF-style: chr11-47359008-C-A.
Other names: short protein forms V846F.
Identifiers: ClinVar variation 4704875 (VCV004704875.2).
Genomic context (GRCh38, chr11:47,337,457, plus strand): 5'-GCATGAAGGGCTGGGAGGCAGGGCTGGGCCTGGACATGCCGATGGCGTTGACCGCGTAGA[C>A]GCGCATCTCGTACACCACGCCCTCGATCATGCGCCGCGCTTCATGACTCAGCTCCTGAAT-3'
Protein context (NP_000247.2, residues 836-856): MIEGVVYEMR[Val846Phe]YAVNAIGMSR

ClinVar aggregate classification (germline): Uncertain significance. Review status: criteria provided, multiple submitters, no conflicts (2 of 4 stars). 2 submissions from 2 submitters: Uncertain significance (2). Last evaluated 2026-01-23.

Conditions:
Hypertrophic cardiomyopathy. Also called: HYPERTROPHIC MYOCARDIOPATHY. Identifiers: Orphanet 217569, MedGen C0007194, MeSH D002312, MONDO:0005045, HP:0001639.

Submissions (2):

GeneDx
Classification: Uncertain significance. Last evaluated: 2026-01-23. Review status: criteria provided, single submitter. Criteria: GeneDx Variant Classification Process June 2021. Collection method: clinical testing. Allele origin: germline.
Comment: Not observed at significant frequency in large population cohorts (gnomAD); In silico analysis supports that this missense variant has a deleterious effect on protein structure/function; Has not been previously published as pathogenic or benign to our knowledge

Labcorp Genetics (formerly Invitae), Labcorp
Classification: Uncertain significance for Hypertrophic cardiomyopathy. Last evaluated: 2025-11-05. Review status: criteria provided, single submitter. Criteria: Invitae Variant Classification Sherloc (09022015). Collection method: clinical testing. Allele origin: germline.
Comment: This sequence change replaces valine, which is neutral and non-polar, with phenylalanine, which is neutral and non-polar, at codon 846 of the MYBPC3 protein (p.Val846Phe). This variant is not present in population databases (gnomAD no frequency). This variant has not been reported in the literature in individuals affected with MYBPC3-related conditions. An algorithm developed to predict the effect of missense changes on protein structure and function (PolyPhen-2) suggests that this variant is likely to be disruptive. In summary, the available evidence is currently insufficient to determine the role of this variant in disease. Therefore, it has been classified as a Variant of Uncertain Significance.